The following is an entry in ClinVar:

NM_000215.4(JAK3):c.172G>A (p.Ala58Thr)

Gene: JAK3 (Janus kinase 3; minus strand). Cytogenetic location: 19p13.11.
Variant type: single nucleotide variant.
Coding change: c.172G>A on transcript NM_000215.4 (MANE Select); coding-DNA position 172, G replaced by A.
Protein change: p.Ala58Thr; replaces alanine 58 with threonine.
Molecular consequence: missense variant.
Genome position (GRCh38, 1-based): chr19:17,844,246, C>T on the plus strand (G>A on the coding strand, the complement: JAK3 is on the minus strand). VCF-style: chr19-17844246-C-T. GRCh37 (hg19) VCF-style: chr19-17955055-C-T.
Other names: short protein forms A58T.
Identifiers: ClinVar variation 1479492 (VCV001479492.8), dbSNP rs2046340891, ClinGen allele CA404774979.
Genomic context (GRCh38, chr19:17,844,246, plus strand): 5'-CACAGCCCCATCCTTCCCTCTGGCCCGATCCACTAGGGATGCACTCACCGCTGGCCTTGG[C>T]AGCCTGCACGCACAGGTCCTCAGCCAAGTGGTCCCCAAAGGAGAAAGATAGGCGCTGGGG-3'
Protein context (NP_000206.2, residues 48-68): HLAEDLCVQA[Ala58Thr]KASGILPVYH

ClinVar aggregate classification (germline): Uncertain significance (1 of 4 stars; one submission).

Conditions:
T-B+ severe combined immunodeficiency due to JAK3 deficiency. Also called: SCID, T CELL-NEGATIVE, B CELL-POSITIVE, NK CELL-NEGATIVE; SCID, autosomal recessive, T-negative/B-positive type. Identifiers: Orphanet 35078, MedGen C1833275, MONDO:0010938, OMIM 600802.

Allele frequency attached by ClinVar (database versions not stated): gnomAD exomes below 0.00001.
gnomAD v4.1: 1 of 1,596,454 alleles (0.000063%); highest among the groups gnomAD compares: Non-Finnish European, 0.000085%; no homozygotes.

Submission:

Labcorp Genetics (formerly Invitae), Labcorp
Classification: Uncertain significance for T-B+ severe combined immunodeficiency due to JAK3 deficiency. Last evaluated: 2023-04-28. Review status: criteria provided, single submitter. Criteria: Invitae Variant Classification Sherloc (09022015). Collection method: clinical testing. Allele origin: germline.
Comment: This variant is not present in population databases (gnomAD no frequency). This sequence change replaces alanine, which is neutral and non-polar, with threonine, which is neutral and polar, at codon 58 of the JAK3 protein (p.Ala58Thr). In summary, the available evidence is currently insufficient to determine the role of this variant in disease. Therefore, it has been classified as a Variant of Uncertain Significance. An algorithm developed to predict the effect of missense changes on protein structure and function (PolyPhen-2) suggests that this variant is likely to be disruptive. ClinVar contains an entry for this variant (Variation ID: 1479492). This missense change has been observed in individual(s) with primary immunodeficiency and/or severe combined immunodeficiency (PMID: 32135276, 32888943, 32921793).

Literature cited by the submitters: PubMed 32135276; PubMed 32888943; PubMed 32921793.